The following is an entry in ClinVar:

NM_001206927.2(DNAH8):c.1082A>C (p.Glu361Ala)

Gene: DNAH8 (dynein axonemal heavy chain 8; plus strand). Cytogenetic location: 6p21.2.
Variant type: single nucleotide variant.
Coding change: c.1082A>C on transcript NM_001206927.2 (MANE Select); coding-DNA position 1082, A replaced by C.
Protein change: p.Glu361Ala; replaces glutamic acid 361 with alanine.
Molecular consequence: missense variant.
Genome position (GRCh38, 1-based): chr6:38,737,938, A>C. VCF-style: chr6-38737938-A-C. GRCh37 (hg19) VCF-style: chr6-38705714-A-C.
Other names: c.431A>C, p.Glu144Ala (NM_001371.4); short protein forms E361A, E144A.
Identifiers: ClinVar variation 1500940 (VCV001500940.5), dbSNP rs376791268, ClinGen allele CA3788122.

ClinVar aggregate classification (germline): Uncertain significance (1 of 4 stars; one submission).

Conditions:
Primary ciliary dyskinesia. Also called: Ciliary dyskinesia. Identifiers: Orphanet 244, MedGen C0008780, MONDO:0016575, HP:0012265.

Allele frequency attached by ClinVar (database versions not stated): TOPMed 0.00007; gnomAD 0.00009; ESP Exome Variant Server 0.00023.
gnomAD v4.1: 232 of 1,608,974 alleles (0.014%); highest among the groups gnomAD compares: Non-Finnish European, 0.019%; no homozygotes.

Submission:

Labcorp Genetics (formerly Invitae), Labcorp
Classification: Uncertain significance for Primary ciliary dyskinesia. Last evaluated: 2022-01-21. Review status: criteria provided, single submitter. Criteria: Invitae Variant Classification Sherloc (09022015). Collection method: clinical testing. Allele origin: germline.
Comment: This sequence change replaces glutamic acid, which is acidic and polar, with alanine, which is neutral and non-polar, at codon 361 of the DNAH8 protein (p.Glu361Ala). This variant is present in population databases (rs376791268, gnomAD 0.01%). This variant has not been reported in the literature in individuals affected with DNAH8-related conditions. Algorithms developed to predict the effect of missense changes on protein structure and function are either unavailable or do not agree on the potential impact of this missense change (SIFT: "Deleterious"; PolyPhen-2: "Not Available"; Align-GVGD: "Class C0"). In summary, the available evidence is currently insufficient to determine the role of this variant in disease. Therefore, it has been classified as a Variant of Uncertain Significance.